The following is an entry in ClinVar:

NM_006949.4(STXBP2):c.325+6T>C

Gene: STXBP2 (syntaxin binding protein 2; plus strand). Cytogenetic location: 19p13.2.
Variant type: single nucleotide variant.
Coding change: c.325+6T>C on transcript NM_006949.4 (MANE Select); 6 bases into the intron after coding-DNA position 325, T replaced by C.
Molecular consequence: intron variant.
Genome position (GRCh38, 1-based): chr19:7,640,815, T>C. VCF-style: chr19-7640815-T-C. GRCh37 (hg19) VCF-style: chr19-7705701-T-C.
Other names: c.358+6T>C (NM_001272034.2); c.316+6T>C (NM_001127396.3).
Identifiers: ClinVar variation 2007774 (VCV002007774.4), dbSNP rs2512691861, ClinGen allele CA2580097100.

ClinVar aggregate classification (germline): Uncertain significance (1 of 4 stars; one submission).

Conditions:
Familial hemophagocytic lymphohistiocytosis 5. Also called: STXBP2-Related Familial Hemophagocytic Lymphohistiocytosis (STXBP2-fHLH). Identifiers: Orphanet 540, MedGen C2751293, MONDO:0013135, OMIM 613101.

gnomAD v4.1: 1 of 1,613,996 alleles (0.000062%); highest among the groups gnomAD compares: Non-Finnish European, 0.000085%; no homozygotes.

Submission:

Labcorp Genetics (formerly Invitae), Labcorp
Classification: Uncertain significance for Familial hemophagocytic lymphohistiocytosis 5. Last evaluated: 2022-06-26. Review status: criteria provided, single submitter. Criteria: Invitae Variant Classification Sherloc (09022015). Collection method: clinical testing. Allele origin: germline.
Comment: In summary, the available evidence is currently insufficient to determine the role of this variant in disease. Therefore, it has been classified as a Variant of Uncertain Significance. This sequence change falls in intron 5 of the STXBP2 gene. It does not directly change the encoded amino acid sequence of the STXBP2 protein. It affects a nucleotide within the consensus splice site. Variants that disrupt the consensus splice site are a relatively common cause of aberrant splicing (PMID: 17576681, 9536098). Algorithms developed to predict the effect of sequence changes on RNA splicing suggest that this variant may disrupt the consensus splice site. This variant has not been reported in the literature in individuals affected with STXBP2-related conditions. This variant is not present in population databases (gnomAD no frequency).

Literature cited by the submitters: PubMed 17576681; PubMed 9536098.